The following is an entry in ClinVar:

NM_000631.5(NCF4):c.621G>T (p.Trp207Cys)

Gene: NCF4 (neutrophil cytosolic factor 4; plus strand). Cytogenetic location: 22q12.3.
Variant type: single nucleotide variant.
Coding change: c.621G>T on transcript NM_000631.5 (MANE Select); coding-DNA position 621, G replaced by T.
Protein change: p.Trp207Cys; replaces tryptophan 207 with cysteine.
Molecular consequence: missense variant.
Genome position (GRCh38, 1-based): chr22:36,872,419, G>T. VCF-style: chr22-36872419-G-T. GRCh37 (hg19) VCF-style: chr22-37268461-G-T.
Other names: c.621G>T, p.Trp207Cys (NM_013416.4); short protein forms W207C.
Identifiers: ClinVar variation 1983774 (VCV001983774.1), dbSNP rs748453334, ClinGen allele CA10213097.

ClinVar aggregate classification (germline): Uncertain significance (1 of 4 stars; one submission).

Conditions:
Granulomatous disease, chronic, autosomal recessive, cytochrome b-positive, type 3. Also called: GRANULOMATOUS DISEASE, CHRONIC, AUTOSOMAL RECESSIVE, 3; CGD, AUTOSOMAL RECESSIVE CYTOCHROME b-POSITIVE, TYPE III; GRANULOMATOUS DISEASE, CHRONIC, DUE TO NCF4 DEFICIENCY; Granulomatous disease, chronic, autosomal recessive, cytochrome b-positive, type III. Identifiers: Orphanet 379, MedGen C3151409, MONDO:0013507, OMIM 613960.

Allele frequency attached by ClinVar (database versions not stated): ExAC 0.00003.
gnomAD v4.1: 15 of 1,605,226 alleles (0.00093%); highest among the groups gnomAD compares: East Asian, 0.031%; no homozygotes.

Submission:

Labcorp Genetics (formerly Invitae), Labcorp
Classification: Uncertain significance for Granulomatous disease, chronic, autosomal recessive, cytochrome b-positive, type 3. Last evaluated: 2022-06-13. Review status: criteria provided, single submitter. Criteria: Invitae Variant Classification Sherloc (09022015). Collection method: clinical testing. Allele origin: germline.
Comment: This sequence change replaces tryptophan, which is neutral and slightly polar, with cysteine, which is neutral and slightly polar, at codon 207 of the NCF4 protein (p.Trp207Cys). This variant is present in population databases (rs748453334, gnomAD 0.05%). This variant has not been reported in the literature in individuals affected with NCF4-related conditions. Algorithms developed to predict the effect of missense changes on protein structure and function are either unavailable or do not agree on the potential impact of this missense change (SIFT: "Deleterious"; PolyPhen-2: "Probably Damaging"; Align-GVGD: "Class C0"). In summary, the available evidence is currently insufficient to determine the role of this variant in disease. Therefore, it has been classified as a Variant of Uncertain Significance.